The following is an entry in ClinVar:

ClinVar aggregate classification (germline): Uncertain significance (1 of 4 stars; one submission).

gnomAD v4.1: 10 of 1,613,934 alleles (0.00062%); highest among the groups gnomAD compares: Non-Finnish European, 0.00076%; no homozygotes.

Submission:

Labcorp Genetics (formerly Invitae), Labcorp
Classification: Uncertain significance. Last evaluated: 2026-01-12. Review status: criteria provided, single submitter. Criteria: Invitae Variant Classification Sherloc (09022015). Collection method: clinical testing. Allele origin: germline.
Comment: This sequence change replaces proline, which is neutral and non-polar, with threonine, which is neutral and polar, at codon 458 of the CDSN protein (p.Pro458Thr). This variant is present in population databases (rs778565440, gnomAD 0.002%). This variant has not been reported in the literature in individuals affected with CDSN-related conditions. ClinVar contains an entry for this variant (Variation ID: 3618148). Invitae Evidence Modeling of protein sequence and biophysical properties (such as structural, functional, and spatial information, amino acid conservation, physicochemical variation, residue mobility, and thermodynamic stability) has been performed for this missense variant. However, the output from this modeling did not meet the statistical confidence thresholds required to predict the impact of this variant on CDSN protein function. In summary, the available evidence is currently insufficient to determine the role of this variant in disease. Therefore, it has been classified as a Variant of Uncertain Significance.

NM_001264.5(CDSN):c.1372C>A (p.Pro458Thr)

Genes: CDSN (corneodesmosin; minus strand), PSORS1C1 (psoriasis susceptibility 1 candidate 1; plus strand). Cytogenetic location: 6p21.33.
Variant type: single nucleotide variant.
Coding change: c.1372C>A on transcript NM_001264.5 (MANE Select); coding-DNA position 1372, C replaced by A.
Protein change: p.Pro458Thr; replaces proline 458 with threonine.
Molecular consequence: missense variant. On other transcripts: intron variant (1).
Genome position (GRCh38, 1-based): chr6:31,116,243, G>T on the plus strand (C>A on the coding strand, the complement: CDSN is on the minus strand). VCF-style: chr6-31116243-G-T. GRCh37 (hg19) VCF-style: chr6-31084020-G-T.
Other names: c.-229+1352G>T (NM_014068.3); short protein forms P458T.
Identifiers: ClinVar variation 3618148 (VCV003618148.2).
Genomic context (GRCh38, chr6:31,116,243, plus strand): 5'-CAGGATGGGGAGAGCCATCGGGGCCCCCAGTCAGTGTCAAGGAGGAGACAGACATGCAAG[G>T]GTGACCAGAAGAGCTGGACTTGCTGCCACAAGGCTGAAGGATGATTTTGCCACTGGATTG-3'
Protein context (NP_001255.4, residues 448-468): CGSKSSSSGH[Pro458Thr]CMSVSSLTLT